The following is an entry in ClinVar:

NM_018127.7(ELAC2):c.1924G>A (p.Val642Met)

Gene: ELAC2 (elaC ribonuclease Z 2; minus strand). Cytogenetic location: 17p12.
Variant type: single nucleotide variant.
Coding change: c.1924G>A on transcript NM_018127.7 (MANE Select); coding-DNA position 1924, G replaced by A.
Protein change: p.Val642Met; replaces valine 642 with methionine.
Molecular consequence: missense variant.
Genome position (GRCh38, 1-based): chr17:12,994,869, C>T on the plus strand (G>A on the coding strand, the complement: ELAC2 is on the minus strand). VCF-style: chr17-12994869-C-T. GRCh37 (hg19) VCF-style: chr17-12898186-C-T.
Other names: p.Val642Met; c.1804G>A, p.Val602Met (NM_001165962.2); c.1921G>A, p.Val641Met (NM_173717.2); short protein forms V642M, V602M, V641M.
Identifiers: ClinVar variation 576991 (VCV000576991.5), dbSNP rs149561185, ClinGen allele CA8401003.

ClinVar aggregate classification (germline): Conflicting classifications of pathogenicity. Review status: criteria provided, conflicting classifications (1 of 4 stars). 4 submissions from 4 submitters: Pathogenic (1); Uncertain significance (3). Last evaluated 2026-02-25.

Conditions:
Combined oxidative phosphorylation defect type 17. Also called: Combined oxidative phosphorylation deficiency 17. Identifiers: Orphanet 369913, MedGen C3809526, MONDO:0014190, OMIM 615440.
Prostate cancer, hereditary, 2 (HPC2). Identifiers: Orphanet 1331, MedGen C3539120, MONDO:0013872, OMIM 614731.

Allele frequency attached by ClinVar (database versions not stated): gnomAD exomes 0.00006 and 0.00004; gnomAD 0.00015 and 0.00020; TOPMed 0.00024; ExAC 0.00007; ESP Exome Variant Server 0.00023.
gnomAD v4.1: 112 of 1,613,960 alleles (0.0069%); highest among the groups gnomAD compares: African/African-American, 0.037%; no homozygotes.

Submissions (4):

GeneDx
Classification: Uncertain significance. Last evaluated: 2026-02-25. Review status: criteria provided, single submitter. Criteria: GeneDx Variant Classification Process June 2021. Collection method: clinical testing. Allele origin: germline.
Comment: In silico analysis supports that this missense variant has a deleterious effect on protein structure/function; This variant is associated with the following publications: (PMID: 35946480, HillMC2024[preprint], RaveraF2025[review])

Mayo Clinic Laboratories, Mayo Clinic
Classification: Uncertain significance. Last evaluated: 2023-01-25. Review status: criteria provided, single submitter. Criteria: ACMG Guidelines, 2015. Collection method: clinical testing. Allele origin: germline. Observed: 1 variant allele.
Comment: PP3

Labcorp Genetics (formerly Invitae), Labcorp
Classification: Uncertain significance for Combined oxidative phosphorylation defect type 17. Last evaluated: 2022-07-26. Review status: criteria provided, single submitter. Criteria: Invitae Variant Classification Sherloc (09022015). Collection method: clinical testing. Allele origin: germline.
Comment: This sequence change replaces valine, which is neutral and non-polar, with methionine, which is neutral and non-polar, at codon 642 of the ELAC2 protein (p.Val642Met). This variant is present in population databases (rs149561185, gnomAD 0.05%). This variant has not been reported in the literature in individuals affected with ELAC2-related conditions. ClinVar contains an entry for this variant (Variation ID: 576991). Algorithms developed to predict the effect of missense changes on protein structure and function are either unavailable or do not agree on the potential impact of this missense change (SIFT: "Deleterious"; PolyPhen-2: "Probably Damaging"; Align-GVGD: "Class C0"). In summary, the available evidence is currently insufficient to determine the role of this variant in disease. Therefore, it has been classified as a Variant of Uncertain Significance.

Mendelics
Classification: Pathogenic for Prostate cancer, hereditary, 2. Last evaluated: 2022-05-04. Review status: criteria provided, single submitter. Criteria: Mendelics Assertion Criteria 2019. Collection method: clinical testing. Allele origin: germline.